The following is an entry in ClinVar:

NM_005592.4(MUSK):c.2170C>T (p.Arg724Ter)

Gene: MUSK (muscle associated receptor tyrosine kinase; plus strand). Cytogenetic location: 9q31.3.
Variant type: single nucleotide variant.
Coding change: c.2170C>T on transcript NM_005592.4 (MANE Select); coding-DNA position 2170, C replaced by T.
Protein change: p.Arg724Ter; replaces arginine 724 with a stop codon.
Molecular consequence: nonsense.
Genome position (GRCh38, 1-based): chr9:110,800,548, C>T. VCF-style: chr9-110800548-C-T. GRCh37 (hg19) VCF-style: chr9-113562828-C-T.
Other names: c.1912C>T, p.Arg638Ter (NM_001166280.2); c.1882C>T, p.Arg628Ter (NM_001166281.2); c.910C>T, p.Arg304Ter (NM_001369398.1); short protein forms R628*, R638*, R304*, R724*.
Identifiers: ClinVar variation 1452397 (VCV001452397.6), dbSNP rs1255531873, ClinGen allele CA374478415.
Genomic context (GRCh38, chr9:110,800,548, plus strand): 5'-TGCATTGCCAGGCAGGTGGCAGCTGGCATGGCTTACCTCTCAGAACGTAAGTTTGTTCAC[C>T]GAGATTTAGCCACCAGGAACTGCCTGGTGGGCGAGAACATGGTGGTGAAAATTGCCGACT-3'

ClinVar aggregate classification (germline): Pathogenic (1 of 4 stars; one submission).

Conditions:
Congenital myasthenic syndrome 9. Also called: Myasthenic syndrome, congenital, 9, associated with acetylcholine receptor deficiency. Identifiers: Orphanet 590, MedGen C4225368, MONDO:0014587, OMIM 616325.
Fetal akinesia deformation sequence 1 (FADS1). Also called: Fetal akinesia sequence; Pena-Shokeir syndrome type I. Identifiers: Orphanet 994, MedGen C1276035, MONDO:0100101, OMIM 208150, HP:0001989.

Allele frequency attached by ClinVar (database versions not stated): gnomAD exomes below 0.00001; TOPMed below 0.00001; gnomAD 0.00001.
gnomAD v4.1: 8 of 1,613,778 alleles (0.0005%); highest among the groups gnomAD compares: African/African-American, 0.0013%; no homozygotes.

Submission:

Labcorp Genetics (formerly Invitae), Labcorp
Classification: Pathogenic for Congenital myasthenic syndrome 9; Fetal akinesia deformation sequence 1. Last evaluated: 2025-02-24. Review status: criteria provided, single submitter. Criteria: Invitae Variant Classification Sherloc (09022015). Collection method: clinical testing. Allele origin: germline.
Comment: This sequence change creates a premature translational stop signal (p.Arg724*) in the MUSK gene. While this is not anticipated to result in nonsense mediated decay, it is expected to disrupt the last 146 amino acid(s) of the MUSK protein. This variant is present in population databases (no rsID available, gnomAD 0.0009%). This variant has not been reported in the literature in individuals affected with MUSK-related conditions. ClinVar contains an entry for this variant (Variation ID: 1452397). This variant disrupts a region of the MUSK protein in which other variant(s) (p.Val790) have been determined to be pathogenic (PMID: 15496425, 23326516, 24122059, 30429133). This suggests that this is a clinically significant region of the protein, and that variants that disrupt it are likely to be disease-causing. For these reasons, this variant has been classified as Pathogenic.

Literature cited by the submitters: PubMed 15496425; PubMed 23326516; PubMed 24122059; PubMed 30429133.